The following is an entry in ClinVar:

ClinVar aggregate classification (germline): Uncertain significance (1 of 4 stars; one submission).

Conditions:
Epileptic encephalopathy. Identifiers: MedGen C0543888, HP:0200134.

Allele frequency attached by ClinVar (database versions not stated): gnomAD exomes below 0.00001; TOPMed 0.00001.
gnomAD v4.1: 2 of 1,612,160 alleles (0.00012%); highest among the groups gnomAD compares: Non-Finnish European, 0.000085%; no homozygotes.

Submission:

Labcorp Genetics (formerly Invitae), Labcorp
Classification: Uncertain significance for Epileptic encephalopathy. Last evaluated: 2021-09-21. Review status: criteria provided, single submitter. Criteria: Invitae Variant Classification Sherloc (09022015). Collection method: clinical testing. Allele origin: germline.
Comment: In summary, the available evidence is currently insufficient to determine the role of this variant in disease. Therefore, it has been classified as a Variant of Uncertain Significance. Algorithms developed to predict the effect of missense changes on protein structure and function output the following: SIFT: "Deleterious"; PolyPhen-2: "Benign"; Align-GVGD: "Class C0". The glycine amino acid residue is found in multiple mammalian species, which suggests that this missense change does not adversely affect protein function. This variant has not been reported in the literature in individuals affected with FASN-related conditions. This variant is not present in population databases (ExAC no frequency). This sequence change replaces aspartic acid with glycine at codon 1838 of the FASN protein (p.Asp1838Gly). The aspartic acid residue is weakly conserved and there is a moderate physicochemical difference between aspartic acid and glycine.

NM_004104.5(FASN):c.5513A>G (p.Asp1838Gly)

Gene: FASN (fatty acid synthase; minus strand). Cytogenetic location: 17q25.3.
Variant type: single nucleotide variant.
Coding change: c.5513A>G on transcript NM_004104.5 (MANE Select); coding-DNA position 5513, A replaced by G.
Protein change: p.Asp1838Gly; replaces aspartic acid 1838 with glycine.
Molecular consequence: missense variant.
Genome position (GRCh38, 1-based): chr17:82,083,254, T>C on the plus strand (A>G on the coding strand, the complement: FASN is on the minus strand). VCF-style: chr17-82083254-T-C. GRCh37 (hg19) VCF-style: chr17-80041130-T-C.
Other names: short protein forms D1838G.
Identifiers: ClinVar variation 1351716 (VCV001351716.6), dbSNP rs2034024246, ClinGen allele CA401537696.